The following is an entry in ClinVar:

NM_017739.4(POMGNT1):c.61T>C (p.Trp21Arg)

Gene: POMGNT1 (protein O-linked mannose N-acetylglucosaminyltransferase 1 (beta 1,2-); minus strand). Cytogenetic location: 1p34.1.
Variant type: single nucleotide variant.
Coding change: c.61T>C on transcript NM_017739.4 (MANE Select); coding-DNA position 61, T replaced by C.
Protein change: p.Trp21Arg; replaces tryptophan 21 with arginine.
Molecular consequence: missense variant.
Genome position (GRCh38, 1-based): chr1:46,197,761, A>G on the plus strand (T>C on the coding strand, the complement: POMGNT1 is on the minus strand). VCF-style: chr1-46197761-A-G. GRCh37 (hg19) VCF-style: chr1-46663433-A-G.
Other names: c.61T>C, p.Trp21Arg (NM_001243766.2); short protein forms W21R.
Identifiers: ClinVar variation 1449403 (VCV001449403.6), dbSNP rs2148222670, ClinGen allele CA340192933.

ClinVar aggregate classification (germline): Uncertain significance (1 of 4 stars; one submission).

Conditions:
Autosomal recessive limb-girdle muscular dystrophy type 2O. Also called: Limb-Girdle Muscular Dystrophy Type 3C; MUSCULAR DYSTROPHY-DYSTROGLYCANOPATHY (LIMB-GIRDLE), TYPE C, 3; MUSCULAR DYSTROPHY-DYSTROGLYCANOPATHY, LIMB-GIRDLE, POMGNT1-RELATED. Identifiers: Orphanet 206564, MedGen C3150417, MONDO:0013161, OMIM 613157.
Muscular dystrophy-dystroglycanopathy (congenital with impaired intellectual development), type B, 3. Also called: Muscular dystrophy-dystroglycanopathy (congenital with intellectual disability), type B3; MUSCULAR DYSTROPHY, CONGENITAL, POMGNT1-RELATED. Identifiers: MedGen C3150412, MONDO:0013155, OMIM 613151.

Submission:

Labcorp Genetics (formerly Invitae), Labcorp
Classification: Uncertain significance for Autosomal recessive limb-girdle muscular dystrophy type 2O; Muscular dystrophy-dystroglycanopathy (congenital with impaired intellectual development), type B, 3. Last evaluated: 2022-11-22. Review status: criteria provided, single submitter. Criteria: Invitae Variant Classification Sherloc (09022015). Collection method: clinical testing. Allele origin: germline.
Comment: In summary, the available evidence is currently insufficient to determine the role of this variant in disease. Therefore, it has been classified as a Variant of Uncertain Significance. Advanced modeling of protein sequence and biophysical properties (such as structural, functional, and spatial information, amino acid conservation, physicochemical variation, residue mobility, and thermodynamic stability) performed at Invitae indicates that this missense variant is not expected to disrupt POMGNT1 protein function. ClinVar contains an entry for this variant (Variation ID: 1449403). This variant has not been reported in the literature in individuals affected with POMGNT1-related conditions. This variant is not present in population databases (gnomAD no frequency). This sequence change replaces tryptophan, which is neutral and slightly polar, with arginine, which is basic and polar, at codon 21 of the POMGNT1 protein (p.Trp21Arg).